The following is an entry in ClinVar:

ClinVar aggregate classification (germline): Uncertain significance (1 of 4 stars; one submission).

Conditions:
Alagille syndrome due to a JAG1 point mutation. Also called: Alagille Syndrome 1; HEPATIC DUCTULAR HYPOPLASIA, SYNDROMATIC; JAG1-Related Alagille Syndrome. Identifiers: Orphanet 261619, Orphanet 52, MedGen C1956125, MONDO:0016862, OMIM 118450.

Submissions (2):

Labcorp Genetics (formerly Invitae), Labcorp
Classification: Uncertain significance for Alagille syndrome due to a JAG1 point mutation. Last evaluated: 2019-04-02. Review status: criteria provided, single submitter. Criteria: Invitae Variant Classification Sherloc (09022015). Collection method: clinical testing. Allele origin: germline.
Comment: Algorithms developed to predict the effect of missense changes on protein structure and function (SIFT, PolyPhen-2, Align-GVGD) all suggest that this variant is likely to be disruptive, but these predictions have not been confirmed by published functional studies and their clinical significance is uncertain. In summary, the available evidence is currently insufficient to determine the role of this variant in disease. Therefore, it has been classified as a Variant of Uncertain Significance. This variant is not present in population databases (ExAC no frequency). This sequence change replaces isoleucine with asparagine at codon 39 of the JAG1 protein (p.Ile39Asn). The isoleucine residue is highly conserved and there is a large physicochemical difference between isoleucine and asparagine.

Gilbert/Spinner Lab, Children's Hospital of Philadelphia
No classification provided (evidence only). Condition: Alagille syndrome. Review status: no classification provided. Collection method: research. Allele origin: not applicable. Functional consequence: functionally_abnormal. Not counted in ClinVar's aggregate classification.
ClinVar note: "not provided" was previously submitted as the classification for the variant. However, the classification appeared to be based only on an observation of functional data so it was converted to no classification on 2025-07-30.

NM_000214.3(JAG1):c.116T>A (p.Ile39Asn)

Gene: JAG1 (jagged canonical Notch ligand 1; minus strand). Cytogenetic location: 20p12.2.
Variant type: single nucleotide variant.
Coding change: c.116T>A on transcript NM_000214.3 (MANE Select); coding-DNA position 116, T replaced by A.
Protein change: p.Ile39Asn; replaces isoleucine 39 with asparagine.
Molecular consequence: missense variant.
Genome position (GRCh38, 1-based): chr20:10,672,972, A>T on the plus strand (T>A on the coding strand, the complement: JAG1 is on the minus strand). VCF-style: chr20-10672972-A-T. GRCh37 (hg19) VCF-style: chr20-10653620-A-T.
Other names: short protein forms I39N.
Identifiers: ClinVar variation 944888 (VCV000944888.11), dbSNP rs2067508041, ClinGen allele CA408243812.